The following is an entry in ClinVar:

ClinVar aggregate classification (germline): Conflicting classifications of pathogenicity. Review status: criteria provided, conflicting classifications (1 of 4 stars). 2 submissions from 2 submitters: Likely pathogenic (1); Uncertain significance (1). Last evaluated 2022-03-03.

Conditions:
Biotin-responsive basal ganglia disease (BTBGD). Also called: thiamine-responsive encephalopathy; THIAMINE METABOLISM DYSFUNCTION SYNDROME 2 (BIOTIN- AND THIAMINE-RESPONSIVE TYPE); Thiamine metabolism dysfunction syndrome 2 (biotin- or thiamine-responsive encephalopathy type 2); Thiamine Transporter-2 Deficiency; Thiamine metabolism dysfunction syndrome type 2. Identifiers: Orphanet 199348, Orphanet 65284, MedGen C1843807, MONDO:0011841, OMIM 607483.

Allele frequency attached by ClinVar (database versions not stated): gnomAD exomes below 0.00001.

Submissions (2):

Labcorp Genetics (formerly Invitae), Labcorp
Classification: Uncertain significance for Biotin-responsive basal ganglia disease. Last evaluated: 2022-03-03. Review status: criteria provided, single submitter. Criteria: Invitae Variant Classification Sherloc (09022015). Collection method: clinical testing. Allele origin: germline.
Comment: This sequence change replaces glutamine, which is neutral and polar, with arginine, which is basic and polar, at codon 418 of the SLC19A3 protein (p.Gln418Arg). This variant is not present in population databases (gnomAD no frequency). This variant has not been reported in the literature in individuals affected with SLC19A3-related conditions. ClinVar contains an entry for this variant (Variation ID: 421399). Advanced modeling of protein sequence and biophysical properties (such as structural, functional, and spatial information, amino acid conservation, physicochemical variation, residue mobility, and thermodynamic stability) performed at Invitae indicates that this missense variant is expected to disrupt SLC19A3 protein function. In summary, the available evidence is currently insufficient to determine the role of this variant in disease. Therefore, it has been classified as a Variant of Uncertain Significance.

GeneDx
Classification: Likely pathogenic. Last evaluated: 2018-05-24. Review status: criteria provided, single submitter. Criteria: GeneDx Variant Classification (06012015). Collection method: clinical testing. Allele origin: germline. Affected: yes.
Comment: The Q418R variant in the SLC19A3 gene has not been reported previously as a pathogenic variant, nor as a benign variant, to our knowledge. The Q418R variant was not observed in approximately 6500 individuals of European and African American ancestry in the NHLBI Exome Sequencing Project, indicating it is not a common benign variant in these populations. The Q418R variant is a semi-conservative amino acid substitution, which may impact secondary protein structure as these residues differ in some properties. This substitution occurs at a position that is conserved across species. In silico analysis predicts this variant is probably damaging to the protein structure/function. We interpret Q418R as a likely pathogenic variant.

NM_025243.4(SLC19A3):c.1253A>G (p.Gln418Arg)

Gene: SLC19A3 (solute carrier family 19 member 3; minus strand). Cytogenetic location: 2q36.3.
Variant type: single nucleotide variant.
Coding change: c.1253A>G on transcript NM_025243.4 (MANE Select); coding-DNA position 1253, A replaced by G.
Protein change: p.Gln418Arg; replaces glutamine 418 with arginine.
Molecular consequence: missense variant.
Genome position (GRCh38, 1-based): chr2:227,688,227, T>C on the plus strand (A>G on the coding strand, the complement: SLC19A3 is on the minus strand). VCF-style: chr2-227688227-T-C. GRCh37 (hg19) VCF-style: chr2-228552943-T-C.
Other names: short protein forms Q418R.
Identifiers: ClinVar variation 421399 (VCV000421399.7), dbSNP rs1064795112, ClinGen allele CA16617491.